The following is an entry in ClinVar:

NM_000057.4(BLM):c.2814T>A (p.Asp938Glu)

Gene: BLM (BLM RecQ like helicase; plus strand). Cytogenetic location: 15q26.1.
Variant type: single nucleotide variant.
Coding change: c.2814T>A on transcript NM_000057.4 (MANE Select); coding-DNA position 2814, T replaced by A.
Protein change: p.Asp938Glu; replaces aspartic acid 938 with glutamic acid.
Molecular consequence: missense variant.
Genome position (GRCh38, 1-based): chr15:90,785,072, T>A. VCF-style: chr15-90785072-T-A. GRCh37 (hg19) VCF-style: chr15-91328302-T-A.
Other names: c.2814T>A, p.Asp938Glu (NM_001287246.2, NM_001287247.2); c.1689T>A, p.Asp563Glu (NM_001287248.2); short protein forms D563E, D938E.
Identifiers: ClinVar variation 2845546 (VCV002845546.4), dbSNP rs2505502248, ClinGen allele CA393846181.

ClinVar aggregate classification (germline): Uncertain significance. Review status: criteria provided, multiple submitters, no conflicts (2 of 4 stars). 2 submissions from 2 submitters: Uncertain significance (2). Last evaluated 2024-08-04.

Conditions:
Hereditary cancer-predisposing syndrome. Also called: Neoplastic Syndromes, Hereditary; Hereditary Cancer Syndrome; Hereditary neoplastic syndrome; Tumor predisposition. Identifiers: Orphanet 140162, MedGen C0027672, MeSH D009386, MONDO:0015356.
Bloom syndrome (BLM). Also called: Bloom-Torre-Machacek syndrome. Identifiers: Orphanet 125, MedGen C0005859, MONDO:0008876, OMIM 210900.

Allele frequency attached by ClinVar (database versions not stated): gnomAD exomes below 0.00001.
gnomAD v4.1: 2 of 1,614,178 alleles (0.00012%); highest among the groups gnomAD compares: Non-Finnish European, 0.000085%; no homozygotes.

Submissions (2):

Ambry Genetics
Classification: Uncertain significance for Hereditary cancer-predisposing syndrome. Last evaluated: 2024-08-04. Review status: criteria provided, single submitter. Criteria: Ambry Variant Classification Scheme 2023. Collection method: clinical testing. Allele origin: germline.
Comment: The p.D938E variant (also known as c.2814T>A), located in coding exon 13 of the BLM gene, results from a T to A substitution at nucleotide position 2814. The aspartic acid at codon 938 is replaced by glutamic acid, an amino acid with highly similar properties. This amino acid position is conserved. In addition, this alteration is predicted to be tolerated by in silico analysis. Based on the available evidence, the clinical significance of this variant remains unclear.

Labcorp Genetics (formerly Invitae), Labcorp
Classification: Uncertain significance for Bloom syndrome. Last evaluated: 2024-01-30. Review status: criteria provided, single submitter. Criteria: Invitae Variant Classification Sherloc (09022015). Collection method: clinical testing. Allele origin: germline.
Comment: This sequence change replaces aspartic acid, which is acidic and polar, with glutamic acid, which is acidic and polar, at codon 938 of the BLM protein (p.Asp938Glu). This variant is not present in population databases (gnomAD no frequency). This variant has not been reported in the literature in individuals affected with BLM-related conditions. Advanced modeling of protein sequence and biophysical properties (such as structural, functional, and spatial information, amino acid conservation, physicochemical variation, residue mobility, and thermodynamic stability) performed at Invitae indicates that this missense variant is not expected to disrupt BLM protein function with a negative predictive value of 80%. In summary, the available evidence is currently insufficient to determine the role of this variant in disease. Therefore, it has been classified as a Variant of Uncertain Significance.